The following is an entry in ClinVar:

NM_015202.5(KATNIP):c.2403C>T (p.Thr801=)

Gene: KATNIP (katanin interacting protein; plus strand). Cytogenetic location: 16p12.1.
Variant type: single nucleotide variant.
Coding change: c.2403C>T on transcript NM_015202.5 (MANE Select); coding-DNA position 2403, C replaced by T.
Protein change: p.Thr801=; no amino-acid change (threonine 801 retained).
Molecular consequence: synonymous variant.
Genome position (GRCh38, 1-based): chr16:27,740,700, C>T. VCF-style: chr16-27740700-C-T. GRCh37 (hg19) VCF-style: chr16-27752021-C-T.
Identifiers: ClinVar variation 2066255 (VCV002066255.10), dbSNP rs149030906, ClinGen allele CA7977959.
Genomic context (GRCh38, chr16:27,740,700, plus strand): 5'-CCTGGCCTGGAAGGGCAGGCTCCCATCAGACGATGTCATCGGTGAGGGTCCTGGAGAGAC[C>T]GAGGCCAGGGATAAAGGCCTACGGCATGAGCCAGGGTGGGGGACCAGCCGGAGTGTCAAC-3'
Protein context (NP_056017.4, residues 791-811): DDVIGEGPGE[Thr801=]EARDKGLRHE

ClinVar aggregate classification (germline): Likely benign. Review status: criteria provided, multiple submitters, no conflicts (2 of 4 stars). 3 submissions from 3 submitters: Likely benign (3). Last evaluated 2025-12-11.

Allele frequency attached by ClinVar (database versions not stated): ExAC 0.00012; 1000 Genomes Project 30x 0.00016; 1000 Genomes Project 0.00020; ESP Exome Variant Server 0.00023; gnomAD 0.00029; TOPMed 0.00030.
gnomAD v4.1: 107 of 1,614,110 alleles (0.0066%); highest among the groups gnomAD compares: African/African-American, 0.092%; no homozygotes.

Submissions (3):

Labcorp Genetics (formerly Invitae), Labcorp
Classification: Likely benign. Last evaluated: 2025-12-11. Review status: criteria provided, single submitter. Criteria: Invitae Variant Classification Sherloc (09022015). Collection method: clinical testing. Allele origin: germline.

CeGaT Center for Human Genetics Tuebingen
Classification: Likely benign. Last evaluated: 2025-12-01. Review status: criteria provided, single submitter. Criteria: CeGaT Center For Human Genetics Tuebingen Variant Classification Criteria Version 2. Collection method: clinical testing. Allele origin: germline. Affected: yes. Observed: 1 variant allele.
Comment: KATNIP: BP4, BP7

Blueprint Genetics
Classification: Likely benign. Last evaluated: 2024-01-19. Review status: criteria provided, single submitter. Criteria: ACMG Guidelines, 2015. Collection method: clinical testing. Allele origin: germline.